The following is an entry in ClinVar:

NM_145262.4(GLYCTK):c.52C>T (p.Pro18Ser)

Gene: GLYCTK (glycerate kinase; plus strand). Cytogenetic location: 3p21.2.
Variant type: single nucleotide variant.
Coding change: c.52C>T on transcript NM_145262.4 (MANE Select); coding-DNA position 52, C replaced by T.
Protein change: p.Pro18Ser; replaces proline 18 with serine.
Molecular consequence: missense variant. On other transcripts: non-coding transcript variant (3).
Genome position (GRCh38, 1-based): chr3:52,290,394, C>T. VCF-style: chr3-52290394-C-T. GRCh37 (hg19) VCF-style: chr3-52324410-C-T.
Other names: c.52C>T, p.Pro18Ser (NM_001144951.2); short protein forms P18S.
Identifiers: ClinVar variation 1965631 (VCV001965631.5), dbSNP rs1311503405, ClinGen allele CA353068283.

ClinVar aggregate classification (germline): Uncertain significance (1 of 4 stars; one submission).

Submission:

Labcorp Genetics (formerly Invitae), Labcorp
Classification: Uncertain significance. Last evaluated: 2022-03-26. Review status: criteria provided, single submitter. Criteria: Invitae Variant Classification Sherloc (09022015). Collection method: clinical testing. Allele origin: germline.
Comment: In summary, the available evidence is currently insufficient to determine the role of this variant in disease. Therefore, it has been classified as a Variant of Uncertain Significance. Algorithms developed to predict the effect of missense changes on protein structure and function output the following: SIFT: "Deleterious"; PolyPhen-2: "Benign"; Align-GVGD: "Class C0". The serine amino acid residue is found in multiple mammalian species, which suggests that this missense change does not adversely affect protein function. This variant has not been reported in the literature in individuals affected with GLYCTK-related conditions. This variant is not present in population databases (gnomAD no frequency). This sequence change replaces proline, which is neutral and non-polar, with serine, which is neutral and polar, at codon 18 of the GLYCTK protein (p.Pro18Ser).